The following is an entry in ClinVar:

NM_015352.2(POFUT1):c.*161G>A

Gene: POFUT1 (protein O-fucosyltransferase 1; plus strand). Cytogenetic location: 20q11.21.
Variant type: single nucleotide variant.
Coding change: c.*161G>A on transcript NM_015352.2 (MANE Select); 161 bases downstream of the stop codon, G replaced by A.
Molecular consequence: 3 prime UTR variant.
Genome position (GRCh38, 1-based): chr20:32,234,822, G>A. VCF-style: chr20-32234822-G-A. GRCh37 (hg19) VCF-style: chr20-30822625-G-A.
Identifiers: ClinVar variation 1706674 (VCV001706674.2), dbSNP rs59745045, ClinGen allele CA313894321.

ClinVar aggregate classification (germline): Likely benign (1 of 4 stars; one submission).

Allele frequency attached by ClinVar (database versions not stated): gnomAD exomes 0.00147; gnomAD 0.01192; TOPMed 0.01350; 1000 Genomes Project 0.01538; 1000 Genomes Project 30x 0.01640.
gnomAD v4.1: 2,546 of 609,140 alleles (0.42%); highest among the groups gnomAD compares: African/African-American, 3.9%; 46 homozygotes.

Submission:

GeneDx
Classification: Likely benign. Last evaluated: 2019-06-17. Review status: criteria provided, single submitter. Criteria: GeneDx Variant Classification Process June 2021. Collection method: clinical testing. Allele origin: germline. Affected: yes.
Comment: See Variant Classification Assertion Criteria.